The following is an entry in ClinVar:

ClinVar aggregate classification (germline): Uncertain significance (1 of 4 stars; one submission).

Allele frequency attached by ClinVar (database versions not stated): TOPMed below 0.00001.
gnomAD v4.1: 1 of 1,614,184 alleles (0.000062%); highest among the groups gnomAD compares: African/African-American, 0.0013%; no homozygotes.

Submission:

Labcorp Genetics (formerly Invitae), Labcorp
Classification: Uncertain significance. Last evaluated: 2021-09-21. Review status: criteria provided, single submitter. Criteria: Invitae Variant Classification Sherloc (09022015). Collection method: clinical testing. Allele origin: germline.
Comment: This sequence change replaces leucine with valine at codon 1142 of the CNGB1 protein (p.Leu1142Val). The leucine residue is weakly conserved and there is a small physicochemical difference between leucine and valine. In summary, the available evidence is currently insufficient to determine the role of this variant in disease. Therefore, it has been classified as a Variant of Uncertain Significance. Advanced modeling of protein sequence and biophysical properties (such as structural, functional, and spatial information, amino acid conservation, physicochemical variation, residue mobility, and thermodynamic stability) performed at Invitae indicates that this missense variant is not expected to disrupt CNGB1 protein function. This variant has not been reported in the literature in individuals affected with CNGB1-related conditions. This variant is not present in population databases (ExAC no frequency).

NM_001297.5(CNGB1):c.3424C>G (p.Leu1142Val)

Gene: CNGB1 (cyclic nucleotide gated channel subunit beta 1; minus strand). Cytogenetic location: 16q21.
Variant type: single nucleotide variant.
Coding change: c.3424C>G on transcript NM_001297.5 (MANE Select); coding-DNA position 3424, C replaced by G.
Protein change: p.Leu1142Val; replaces leucine 1142 with valine.
Molecular consequence: missense variant.
Genome position (GRCh38, 1-based): chr16:57,887,893, G>C on the plus strand (C>G on the coding strand, the complement: CNGB1 is on the minus strand). VCF-style: chr16-57887893-G-C. GRCh37 (hg19) VCF-style: chr16-57921797-G-C.
Other names: c.3406C>G, p.Leu1136Val (NM_001286130.2); short protein forms L1142V, L1136V.
Identifiers: ClinVar variation 1489859 (VCV001489859.6), dbSNP rs1596945545, ClinGen allele CA396061894.